The following is an entry in ClinVar:

NM_000497.4(CYP11B1):c.1385del (p.Leu462fs)

Genes: CYP11B1 (cytochrome P450 family 11 subfamily B member 1; minus strand), LOC106799833 (CYP11B1 recombination region; plus strand). Cytogenetic location: 8q24.3.
Variant type: Deletion.
Coding change: c.1385del on transcript NM_000497.4 (MANE Select); coding-DNA position 1385, one base deleted (T; older notation c.1385delT).
Protein change: p.Leu462fs; shifts the reading frame from leucine 462.
Molecular consequence: frameshift variant. On other transcripts: intron variant (1).
Genome position (GRCh38, 1-based): chr8:142,874,970, A deleted on the plus strand (T on the coding strand, the reverse complement: CYP11B1 is on the minus strand). VCF-style (leftmost placement, unchanged base first): chr8-142874969-CA-C. GRCh37 (hg19) VCF-style: chr8-143956385-CA-C.
Other names: c.1200+264del (NM_001026213.1); short protein forms L462fs.
Identifiers: ClinVar variation 1687594 (VCV001687594.1), dbSNP rs2130266058, ClinGen allele CA2573142965.

ClinVar aggregate classification (germline): Uncertain significance (1 of 4 stars; one submission).

Conditions:
Deficiency of steroid 11-beta-monooxygenase (CYP11B1). Also called: ADRENAL HYPERPLASIA, CONGENITAL, DUE TO STEROID 11-BETA-HYDROXYLASE DEFICIENCY; 11-BETA-HYDROXYLASE DEFICIENCY; Congenital adrenal hyperplasia due to 11-beta-hydroxylase deficiency; P450C11B1 DEFICIENCY; STEROID 11-BETA-HYDROXYLASE DEFICIENCY; ADRENAL HYPERPLASIA IV. Identifiers: Orphanet 90795, MedGen C0268292, MONDO:0008729, OMIM 202010. Disease mechanism: loss of function.

Submission:

3billion
Classification: Uncertain significance for Deficiency of steroid 11-beta-monooxygenase. Last evaluated: 2022-05-22. Review status: criteria provided, single submitter. Criteria: ACMG Guidelines, 2015. Collection method: clinical testing. Allele origin: germline. Affected: yes. Observed: 1 homozygote.
Comment: The variant is not observed in the gnomAD v2.1.1 dataset. Frameshift: predicted to result in a loss or disruption of normal protein function through protein truncation. The predicted truncated protein may be shortened by less than 10%. Therefore, this variant is classified as uncertain significanceaccording to the recommendation of ACMG/AMP guideline.